The following is an entry in ClinVar:

NM_024009.3(GJB3):c.*369G>C

Gene: GJB3 (gap junction protein beta 3; plus strand). Cytogenetic location: 1p34.3.
Variant type: single nucleotide variant.
Coding change: c.*369G>C on transcript NM_024009.3 (MANE Select); 369 bases downstream of the stop codon, G replaced by C.
Molecular consequence: 3 prime UTR variant.
Genome position (GRCh38, 1-based): chr1:34,785,944, G>C. VCF-style: chr1-34785944-G-C. GRCh37 (hg19) VCF-style: chr1-35251545-G-C.
Other names: c.*369G>C (NM_001005752.2).
Identifiers: ClinVar variation 297204 (VCV000297204.9), dbSNP rs2236214, ClinGen allele CA10610963.

ClinVar aggregate classification (germline): Benign. Review status: criteria provided, multiple submitters, no conflicts (2 of 4 stars). 3 submissions from 3 submitters: Benign (3). Last evaluated 2018-07-17.

Conditions:
Erythrokeratodermia variabilis et progressiva 1 (EKVP1). Also called: ERYTHROKERATODERMIA FIGURATA, CONGENITAL FAMILIAL, IN PLAQUES; ERYTHROKERATODERMIA VARIABILIS WITH ERYTHEMA GYRATUM REPENS; ERYTHROKERATODERMIA, PROGRESSIVE SYMMETRIC. Identifiers: Orphanet 317, MedGen C4551486, MONDO:0033010, OMIM 133200.

Allele frequency attached by ClinVar (database versions not stated): gnomAD exomes 0.19287; gnomAD 0.23276 and 0.23342; TOPMed 0.23771; 1000 Genomes Project 30x 0.25094; 1000 Genomes Project 0.25819.
gnomAD v4.1: 59,973 of 279,616 alleles (21%); highest among the groups gnomAD compares: African/African-American, 31%; 7,086 homozygotes.

Submissions (3):

GeneDx
Classification: Benign. Last evaluated: 2018-07-17. Review status: criteria provided, single submitter. Criteria: GeneDx Variant Classification Process June 2021. Collection method: clinical testing. Allele origin: germline. Affected: yes.

Illumina Laboratory Services, Illumina
Classification: Benign for Erythrokeratodermia variabilis et progressiva 1. Last evaluated: 2018-01-12. Review status: criteria provided, single submitter. Criteria: ICSL Variant Classification Criteria 13 December 2019. Collection method: clinical testing. Allele origin: germline.
Comment: This variant was observed in the ICSL laboratory as part of a predisposition screen in an ostensibly healthy population. It had not been previously curated by ICSL or reported in the Human Gene Mutation Database (HGMD: prior to June 1st, 2018), and was therefore a candidate for classification through an automated scoring system. Utilizing variant allele frequency, disease prevalence and penetrance estimates, and inheritance mode, an automated score was calculated to assess if this variant is too frequent to cause the disease. Based on the score and internal cut-off values, a variant classified as benign is not then subjected to further curation. The score for this variant resulted in a classification of benign for this disease.

Breakthrough Genomics
Classification: Benign. Review status: criteria provided, single submitter. Criteria: ACMG Guidelines, 2015. Collection method: not provided. Allele origin: germline. Inheritance: Autosomal dominant inheritance. Affected: yes.